The following is an entry in ClinVar:

NM_003337.4(UBE2B):c.23G>C (p.Arg8Thr)

Genes: CDKL3 (cyclin dependent kinase like 3; minus strand), UBE2B (ubiquitin conjugating enzyme E2 B; plus strand). Cytogenetic location: 5q31.1.
Variant type: single nucleotide variant.
Coding change: c.23G>C on transcript NM_003337.4 (MANE Select); coding-DNA position 23, G replaced by C.
Protein change: p.Arg8Thr; replaces arginine 8 with threonine.
Molecular consequence: missense variant.
Genome position (GRCh38, 1-based): chr5:134,371,618, G>C. VCF-style: chr5-134371618-G-C. GRCh37 (hg19) VCF-style: chr5-133707309-G-C.
Other names: short protein forms R8T.
Identifiers: ClinVar variation 135630 (VCV000135630.2), dbSNP rs367537996, ClinGen allele CA232413.

ClinVar aggregate classification (germline): not provided (0 of 4 stars; one submission).

Submission:

Richard Lifton Laboratory, Yale University School of Medicine
No classification provided. Review status: no classification provided. Collection method: not provided. Allele origin: germline.
Comment: UBE2B
ClinVar note: Converted during submission from untested to not provided.